The following is an entry in ClinVar:

NM_006922.4(SCN3A):c.127A>G (p.Asn43Asp)

Gene: SCN3A (sodium voltage-gated channel alpha subunit 3; minus strand). Cytogenetic location: 2q24.3.
Variant type: single nucleotide variant.
Coding change: c.127A>G on transcript NM_006922.4 (MANE Select); coding-DNA position 127, A replaced by G.
Protein change: p.Asn43Asp; replaces asparagine 43 with aspartic acid.
Molecular consequence: missense variant.
Genome position (GRCh38, 1-based): chr2:165,176,268, T>C on the plus strand (A>G on the coding strand, the complement: SCN3A is on the minus strand). VCF-style: chr2-165176268-T-C. GRCh37 (hg19) VCF-style: chr2-166032778-T-C.
Other names: c.127A>G (NM_006922.3); c.127A>G, p.Asn43Asp (NM_001081676.2, NM_001081677.2); short protein forms N43D.
Identifiers: ClinVar variation 2711361 (VCV002711361.4), dbSNP rs1245147180, ClinGen allele CA349241011.

ClinVar aggregate classification (germline): Uncertain significance. Review status: criteria provided, multiple submitters, no conflicts (2 of 4 stars). 2 submissions from 2 submitters: Uncertain significance (2). Last evaluated 2026-03-14.

Allele frequency attached by ClinVar (database versions not stated): gnomAD 0.00001.
gnomAD v4.1: 1 of 1,338,622 alleles (0.000075%); highest among the groups gnomAD compares: African/African-American, 0.0015%; no homozygotes.

Submissions (2):

GeneDx
Classification: Uncertain significance. Last evaluated: 2026-03-14. Review status: criteria provided, single submitter. Criteria: GeneDx Variant Classification Process June 2021. Collection method: clinical testing. Allele origin: germline.
Comment: Not observed at significant frequency in large population cohorts (gnomAD); In silico analysis suggests that this missense variant does not alter protein structure/function; Has not been previously published as pathogenic or benign to our knowledge

Labcorp Genetics (formerly Invitae), Labcorp
Classification: Uncertain significance. Last evaluated: 2023-06-11. Review status: criteria provided, single submitter. Criteria: Invitae Variant Classification Sherloc (09022015). Collection method: clinical testing. Allele origin: germline.
Comment: In summary, the available evidence is currently insufficient to determine the role of this variant in disease. Therefore, it has been classified as a Variant of Uncertain Significance. Advanced modeling of protein sequence and biophysical properties (such as structural, functional, and spatial information, amino acid conservation, physicochemical variation, residue mobility, and thermodynamic stability) performed at Invitae indicates that this missense variant is not expected to disrupt SCN3A protein function. This variant has not been reported in the literature in individuals affected with SCN3A-related conditions. This variant is not present in population databases (gnomAD no frequency). This sequence change replaces asparagine, which is neutral and polar, with aspartic acid, which is acidic and polar, at codon 43 of the SCN3A protein (p.Asn43Asp).